The following is an entry in ClinVar:

NM_001174147.2(LMX1B):c.667del (p.Arg223fs)

Gene: LMX1B (LIM homeobox transcription factor 1 beta; plus strand). Cytogenetic location: 9q33.3.
Variant type: Deletion.
Coding change: c.667del on transcript NM_001174147.2 (MANE Select); coding-DNA position 667, one base deleted (C; older notation c.667delC).
Protein change: p.Arg223fs; shifts the reading frame from arginine 223.
Molecular consequence: frameshift variant.
Genome position (GRCh38, 1-based): chr9:126,693,249, C deleted; the last of 4 consecutive C bases (chr9:126,693,246-126,693,249); deleting any one gives the same sequence. VCF-style (leftmost placement, unchanged base first): chr9-126693245-AC-A. GRCh37 (hg19) VCF-style: chr9-129455524-AC-A.
Other names: c.667delC (NM_002316.3); c.667del, p.Arg223fs (NM_001174146.2, NM_002316.4); short protein forms R223fs.
Identifiers: ClinVar variation 599397 (VCV000599397.7), dbSNP rs1564169730, ClinGen allele CA913190105.

ClinVar aggregate classification (germline): Pathogenic/Likely pathogenic. Review status: criteria provided, multiple submitters, no conflicts (2 of 4 stars). 3 submissions from 3 submitters: Pathogenic (1); Likely pathogenic (1). 1 of the submissions does not count toward it. Last evaluated 2025-09-23.

Conditions:
LMX1B-related disorder. Also called: LMX1B-related condition.
Nail-patella syndrome (NPS). Also called: FONG DISEASE; ONYCHOOSTEODYSPLASIA; TURNER-KIESER SYNDROME. Identifiers: Orphanet 2614, MedGen C0027341, MONDO:0008061, OMIM 161200.

Submissions (3):

PreventionGenetics, part of Exact Sciences
Classification: Likely pathogenic for LMX1B-related condition. Last evaluated: 2025-09-23. Review status: criteria provided, single submitter. Criteria: ACMG Guidelines, 2015. Collection method: clinical testing. Allele origin: germline.
Comment: The LMX1B c.667delC variant is predicted to result in a frameshift and premature protein termination (p.Arg223Glyfs*52). To our knowledge, this variant has not been reported in the literature or in a large population database (gnomAD), indicating this variant is rare. Frameshift variants in LMX1B are expected to be pathogenic. This variant is interpreted as likely pathogenic.

Labcorp Genetics (formerly Invitae), Labcorp
Classification: Pathogenic. Last evaluated: 2021-06-03. Review status: criteria provided, single submitter. Criteria: Invitae Variant Classification Sherloc (09022015). Collection method: clinical testing. Allele origin: germline.
Comment: This variant has not been reported in the literature in individuals with LMX1B-related conditions. ClinVar contains an entry for this variant (Variation ID: 599397). For these reasons, this variant has been classified as Pathogenic. This variant is not present in population databases (ExAC no frequency). This sequence change creates a premature translational stop signal (p.Arg223Glyfs*52) in the LMX1B gene. It is expected to result in an absent or disrupted protein product. Loss-of-function variants in LMX1B are known to be pathogenic (PMID: 9590287, 15498463).

Institute of Human Genetics, Cologne University
Classification: Pathogenic for Nail-patella syndrome. Review status: no assertion criteria provided. Collection method: clinical testing. Allele origin: germline. Affected: yes. Not counted in ClinVar's aggregate classification.

Literature cited by the submitters: PubMed 9590287 (cited by Labcorp Genetics (formerly Invitae), Labcorp); PubMed 15498463 (cited by Labcorp Genetics (formerly Invitae), Labcorp).